The following is an entry in ClinVar:

NM_000245.4(MET):c.275A>G (p.His92Arg)

Gene: MET (MET proto-oncogene, receptor tyrosine kinase; plus strand). Cytogenetic location: 7q31.2.
Variant type: single nucleotide variant.
Coding change: c.275A>G on transcript NM_000245.4 (MANE Select); coding-DNA position 275, A replaced by G.
Protein change: p.His92Arg; replaces histidine 92 with arginine.
Molecular consequence: missense variant. On other transcripts: intron variant (1).
Genome position (GRCh38, 1-based): chr7:116,699,359, A>G. VCF-style: chr7-116699359-A-G. GRCh37 (hg19) VCF-style: chr7-116339413-A-G.
Other names: c.275A>G, p.His92Arg (NM_001127500.3, NM_001324401.3); c.-91+26782A>G (NM_001324402.2); short protein forms H92R.
Identifiers: ClinVar variation 3006238 (VCV003006238.3), dbSNP rs2116584634, ClinGen allele CA368968716.

ClinVar aggregate classification (germline): Uncertain significance (1 of 4 stars; one submission).

Conditions:
Renal cell carcinoma. Identifiers: Orphanet 217071, MedGen C0007134, MeSH D002292, MONDO:0005086, HP:0005584.

Allele frequency attached by ClinVar (database versions not stated): gnomAD exomes below 0.00001.
gnomAD v4.1: 1 of 1,614,052 alleles (0.000062%); highest among the groups gnomAD compares: East Asian, 0.0022%; no homozygotes.

Submission:

Labcorp Genetics (formerly Invitae), Labcorp
Classification: Uncertain significance for Renal cell carcinoma. Last evaluated: 2023-10-24. Review status: criteria provided, single submitter. Criteria: Invitae Variant Classification Sherloc (09022015). Collection method: clinical testing. Allele origin: germline.
Comment: This sequence change replaces histidine, which is basic and polar, with arginine, which is basic and polar, at codon 92 of the MET protein (p.His92Arg). This variant is not present in population databases (gnomAD no frequency). This variant has not been reported in the literature in individuals affected with MET-related conditions. An algorithm developed to predict the effect of missense changes on protein structure and function (PolyPhen-2) suggests that this variant is likely to be disruptive. In summary, the available evidence is currently insufficient to determine the role of this variant in disease. Therefore, it has been classified as a Variant of Uncertain Significance.